The following is an entry in ClinVar:

ClinVar aggregate classification (germline): Uncertain significance. Review status: criteria provided, single submitter (1 of 4 stars). 2 submissions from 2 submitters: Uncertain significance (1). 1 of the submissions does not count toward it. Last evaluated 2025-12-04.

Conditions:
Charlevoix-Saguenay spastic ataxia (SACS). Also called: Spastic ataxia of Charlevoix-Saguenay; SPASTIC ATAXIA 6, AUTOSOMAL RECESSIVE; AUTOSOMAL RECESSIVE SPASTIC ATAXIA OF CHARLEVOIX-SAGUENAY. Identifiers: Orphanet 98, MedGen C1849140, MONDO:0010041, OMIM 270550.

Allele frequency attached by ClinVar (database versions not stated): gnomAD exomes below 0.00001.

Submissions (2):

Women's Health and Genetics/Laboratory Corporation of America, LabCorp
Classification: Uncertain significance. Last evaluated: 2025-12-04. Review status: criteria provided, single submitter. Criteria: LabCorp Variant Classification Summary - May 2015. Collection method: clinical testing. Allele origin: germline.
Comment: Variant summary: SACS c.12020C>T (p.Ser4007Phe) results in a non-conservative amino acid change in the encoded protein sequence. Algorithms developed to predict the effect of missense changes on protein structure and function all suggest that this variant is likely to be disruptive. The variant allele was found at a frequency of 4e-06 in 251144 control chromosomes. c.12020C>T has been observed in individuals affected with Autosomal Recessive Spastic Ataxia Of Charlevoix-Saguenay (Miyatake_2012, Oguz_2013). These data indicate that the variant may be associated with disease. To our knowledge, no experimental evidence demonstrating an impact on protein function has been reported. The following publications have been ascertained in the context of this evaluation (PMID: 35008978, 22892508, 23598833). ClinVar contains an entry for this variant (Variation ID: 557766). Based on the evidence outlined above, the variant was classified as VUS-possibly pathogenic.

Counsyl
Classification: Uncertain significance for Charlevoix-Saguenay spastic ataxia. Last evaluated: 2018-04-11. Review status: no assertion criteria provided. Collection method: clinical testing. Allele origin: unknown. Not counted in ClinVar's aggregate classification.

Literature cited by the submitters: PubMed 35008978 (cited by Women's Health and Genetics/Laboratory Corporation of America, LabCorp); PubMed 22892508 (cited by Women's Health and Genetics/Laboratory Corporation of America, LabCorp and Counsyl); PubMed 23598833 (cited by Women's Health and Genetics/Laboratory Corporation of America, LabCorp and Counsyl).

NM_014363.6(SACS):c.12020C>T (p.Ser4007Phe)

Gene: SACS (sacsin molecular chaperone; minus strand). Cytogenetic location: 13q12.12.
Variant type: single nucleotide variant.
Coding change: c.12020C>T on transcript NM_014363.6 (MANE Select); coding-DNA position 12020, C replaced by T.
Protein change: p.Ser4007Phe; replaces serine 4007 with phenylalanine.
Molecular consequence: missense variant.
Genome position (GRCh38, 1-based): chr13:23,331,856, G>A on the plus strand (C>T on the coding strand, the complement: SACS is on the minus strand). VCF-style: chr13-23331856-G-A. GRCh37 (hg19) VCF-style: chr13-23905995-G-A.
Other names: c.11579C>T, p.Ser3860Phe (NM_001278055.2); short protein forms S4007F, S3860F.
Identifiers: ClinVar variation 557766 (VCV000557766.3), dbSNP rs1314135259, ClinGen allele CA387508671.
Genomic context (GRCh38, chr13:23,331,856, plus strand): 5'-AAAGCATTATCATTTTCATGCTTCATAATTCTAATCAGTCCTGTAATGAACTGTTCAGAA[G>A]ACAAGAGTAACTGCAATCTTCCTTGAAGAGAACACAACGCTCCAAACTGACAAACTTTGG-3'
Protein context (NP_055178.3, residues 3997-4017): SLQGRLQLLL[Ser4007Phe]SEQFITGLIR